The following is an entry in ClinVar:

ClinVar aggregate classification (germline): Uncertain significance (1 of 4 stars; one submission).

Conditions:
Hereditary cancer-predisposing syndrome. Also called: Hereditary Cancer Syndrome; Hereditary neoplastic syndrome; Neoplastic Syndromes, Hereditary; Tumor predisposition. Identifiers: Orphanet 140162, MedGen C0027672, MeSH D009386, MONDO:0015356.

Submission:

Ambry Genetics
Classification: Uncertain significance for Hereditary cancer-predisposing syndrome. Last evaluated: 2025-09-11. Review status: criteria provided, single submitter. Criteria: Ambry Variant Classification Scheme 2023. Collection method: clinical testing. Allele origin: germline.
Comment: The p.S1162T variant (also known as c.3485G>C), located in coding exon 28 of the EGFR gene, results from a G to C substitution at nucleotide position 3485. The serine at codon 1162 is replaced by threonine, an amino acid with similar properties. This amino acid position is conserved. In addition, this alteration is predicted to be tolerated by in silico analysis. Based on the available evidence, the clinical significance of this variant remains unclear.

NM_005228.5(EGFR):c.3485G>C (p.Ser1162Thr)

Gene: EGFR (epidermal growth factor receptor; plus strand). Cytogenetic location: 7p11.2.
Variant type: single nucleotide variant.
Coding change: c.3485G>C on transcript NM_005228.5 (MANE Select); coding-DNA position 3485, G replaced by C.
Protein change: p.Ser1162Thr; replaces serine 1162 with threonine.
Molecular consequence: missense variant.
Genome position (GRCh38, 1-based): chr7:55,205,469, G>C. VCF-style: chr7-55205469-G-C. GRCh37 (hg19) VCF-style: chr7-55273162-G-C.
Other names: c.3350G>C, p.Ser1117Thr (NM_001346899.2); c.3326G>C, p.Ser1109Thr (NM_001346900.2); c.2684G>C, p.Ser895Thr (NM_001346941.2); short protein forms S1109T, S1117T, S1162T, S895T.
Identifiers: ClinVar variation 4247369 (VCV004247369.1).